The following is an entry in ClinVar:

NM_000179.3(MSH6):c.*6C>T

Gene: MSH6 (mutS homolog 6; plus strand). Cytogenetic location: 2p16.3.
Variant type: single nucleotide variant.
Coding change: c.*6C>T on transcript NM_000179.3 (MANE Select); 6 bases downstream of the stop codon, C replaced by T.
Molecular consequence: 3 prime UTR variant.
Genome position (GRCh38, 1-based): chr2:47,806,866, C>T. VCF-style: chr2-47806866-C-T. GRCh37 (hg19) VCF-style: chr2-48034005-C-T.
Other names: c.*6C>T (NM_001281492.2, NM_001281493.2, NM_001281494.2).
Identifiers: ClinVar variation 1172169 (VCV001172169.13), dbSNP rs758445380, ClinGen allele CA073355.
Genomic context (GRCh38, chr2:47,806,866, plus strand): 5'-AACTGTAGATGCTGAAGCTGTCCATAAATTGCTGACTTTGATTAAGGAATTATAGACTGA[C>T]TACATTGGAAGCTTTGAGTTGACTTCTGACAAAGGTGGTAAATTCAGACAACATTATGAT-3'

ClinVar aggregate classification (germline): Conflicting classifications of pathogenicity. Review status: criteria provided, conflicting classifications (1 of 4 stars). 7 submissions from 7 submitters: Uncertain significance (5); Benign (1); Likely benign (1). Last evaluated 2026-04-15.

Conditions:
Lynch syndrome 5 (LYNCH5). Also called: Colorectal cancer, hereditary nonpolyposis, type 5; Hereditary non-polyposis colorectal cancer, type 5. Identifiers: Orphanet 144, MedGen C1833477, MONDO:0013710, OMIM 614350. Disease mechanism: loss of function.
Lynch syndrome. Identifiers: Orphanet 144, MedGen C4552100, MONDO:0005835. Disease mechanism: loss of function.
MSH6-related disorder. Also called: MSH6-related condition; MSH6-Related disorders.
Hereditary cancer-predisposing syndrome. Also called: Hereditary neoplastic syndrome; Hereditary Cancer Syndrome; Tumor predisposition; Neoplastic Syndromes, Hereditary. Identifiers: Orphanet 140162, MedGen C0027672, MeSH D009386, MONDO:0015356.

Allele frequency attached by ClinVar (database versions not stated): ExAC 0.00001; gnomAD exomes 0.00002.
gnomAD v4.1: 23 of 1,601,234 alleles (0.0014%); highest among the groups gnomAD compares: Non-Finnish European, 0.0019%; no homozygotes.

Submissions (7):

PreventionGenetics, part of Exact Sciences
Classification: Uncertain significance for MSH6-related condition. Last evaluated: 2026-04-15. Review status: criteria provided, single submitter. Criteria: ACMG Guidelines, 2015. Collection method: clinical testing. Allele origin: germline.
Comment: The MSH6 c.*6C>T variant is located in the 3' untranslated region. To our knowledge, this variant has not been reported in the literature. This variant is reported in 0.0035% of alleles in individuals of European (Non-Finnish) descent in gnomAD and has conflicting interpretations in ClinVar ranging from uncertain to benign (Variation ID: 1172169). At this time, the clinical significance of this variant is uncertain due to the absence of conclusive functional and genetic evidence.

Quest Diagnostics Nichols Institute San Juan Capistrano
Classification: Uncertain significance. Last evaluated: 2025-04-22. Review status: criteria provided, single submitter. Criteria: Quest Diagnostics criteria. Collection method: clinical testing. Allele origin: unknown.
Comment: The MSH6 c.*6C>T variant has not been reported in individuals with MSH6-related conditions in the published literature. The frequency of this variant in the general population (Genome Aggregation Database) is uninformative in the assessment of its pathogenicity. Based on the available information, we are unable to determine the clinical significance of this variant.

Color Diagnostics, LLC DBA Color Health
Classification: Uncertain significance for Hereditary cancer-predisposing syndrome. Last evaluated: 2025-03-24. Review status: criteria provided, single submitter. Criteria: ACMG Guidelines, 2015. Collection method: clinical testing. Allele origin: germline.
Comment: This variant is located in the 3' untranslated region of the MSH6 gene. To our knowledge, functional studies have not been reported for this variant. This variant has not been reported in individuals affected with MSH6-related disorders in the literature. This variant has been identified in 4/250952 chromosomes in the general population by the Genome Aggregation Database (gnomAD). The available evidence is insufficient to determine the role of this variant in disease conclusively. Therefore, this variant is classified as a Variant of Uncertain Significance.

Women's Health and Genetics/Laboratory Corporation of America, LabCorp
Classification: Uncertain significance. Last evaluated: 2025-02-15. Review status: criteria provided, single submitter. Criteria: LabCorp Variant Classification Summary - May 2015. Collection method: clinical testing. Allele origin: germline.

Myriad Genetics, Inc.
Classification: Benign for Lynch syndrome 5. Last evaluated: 2025-01-09. Review status: criteria provided, single submitter. Criteria: Myriad Autosomal Dominant, Autosomal Recessive and X-Linked Classification Criteria (2023). Collection method: clinical testing. Allele origin: unknown.
Comment: This variant is considered benign. This variant occurs in the non-coding 3' untranslated region of the gene, and is not expected to impact protein function.

GeneDx
Classification: Likely benign. Last evaluated: 2023-07-10. Review status: criteria provided, single submitter. Criteria: GeneDx Variant Classification Process June 2021. Collection method: clinical testing. Allele origin: germline. Affected: yes.
Comment: See Variant Classification Assertion Criteria.

All of Us Research Program, National Institutes of Health
Classification: Uncertain significance for Lynch syndrome. Last evaluated: 2023-06-08. Review status: criteria provided, single submitter. Criteria: ACMG Guidelines, 2015. Collection method: clinical testing. Allele origin: germline. Inheritance: Autosomal dominant inheritance. Observed: 2 variant alleles, 2 heterozygotes.
Comment: This variant is located in the 3' untranslated region of the MSH6 gene. Computational splicing tools suggest that this variant may not impact RNA splicing. To our knowledge, functional studies have not been reported for this variant. This variant has not been reported in individuals affected with MSH6-related disorders in the literature. This variant has been identified in 4/250952 chromosomes in the general population by the Genome Aggregation Database (gnomAD). The available evidence is insufficient to determine the role of this variant in disease conclusively. Therefore, this variant is classified as a Variant of Uncertain Significance.

This study involves interpretation of variants in research participants for the purpose of population health screening. Participant phenotype was not available at the time of variant classification. Additional details can be found in publication PMID: 35346344, PMCID: PMC8962531